The following is an entry in ClinVar:

NM_033026.6(PCLO):c.2323A>G (p.Lys775Glu)

Gene: PCLO (piccolo presynaptic cytomatrix protein; minus strand). Cytogenetic location: 7q21.11.
Variant type: single nucleotide variant.
Coding change: c.2323A>G on transcript NM_033026.6 (MANE Select); coding-DNA position 2323, A replaced by G.
Protein change: p.Lys775Glu; replaces lysine 775 with glutamic acid.
Molecular consequence: missense variant.
Genome position (GRCh38, 1-based): chr7:83,135,227, T>C on the plus strand (A>G on the coding strand, the complement: PCLO is on the minus strand). VCF-style: chr7-83135227-T-C. GRCh37 (hg19) VCF-style: chr7-82764543-T-C.
Other names: c.2323A>G, p.Lys775Glu (NM_014510.3); short protein forms K775E.
Identifiers: ClinVar variation 1909794 (VCV001909794.5), dbSNP rs368099363, ClinGen allele CA4321275.

ClinVar aggregate classification (germline): Uncertain significance (1 of 4 stars; one submission).

Allele frequency attached by ClinVar (database versions not stated): gnomAD 0.00001; gnomAD exomes 0.00001; TOPMed 0.00001; ExAC 0.00002; ESP Exome Variant Server 0.00008.
gnomAD v4.1: 14 of 1,613,760 alleles (0.00087%); highest among the groups gnomAD compares: Admixed American, 0.0017%; no homozygotes.

Submission:

Labcorp Genetics (formerly Invitae), Labcorp
Classification: Uncertain significance. Last evaluated: 2022-03-01. Review status: criteria provided, single submitter. Criteria: Invitae Variant Classification Sherloc (09022015). Collection method: clinical testing. Allele origin: germline.
Comment: In summary, the available evidence is currently insufficient to determine the role of this variant in disease. Therefore, it has been classified as a Variant of Uncertain Significance. This sequence change replaces lysine, which is basic and polar, with glutamic acid, which is acidic and polar, at codon 775 of the PCLO protein (p.Lys775Glu). This variant is present in population databases (rs368099363, gnomAD 0.004%). This variant has not been reported in the literature in individuals affected with PCLO-related conditions. Algorithms developed to predict the effect of missense changes on protein structure and function are either unavailable or do not agree on the potential impact of this missense change (SIFT: "Tolerated"; PolyPhen-2: "Not Available"; Align-GVGD: "Class C0").